The following is an entry in ClinVar:

NM_176787.5(PIGN):c.1151dup (p.Phe385fs)

Gene: PIGN (phosphatidylinositol glycan anchor biosynthesis class N; minus strand). Cytogenetic location: 18q21.33.
Variant type: Duplication.
Coding change: c.1151dup on transcript NM_176787.5 (MANE Select); coding-DNA position 1151, one base duplicated (C; older notation c.1151dupC).
Protein change: p.Phe385fs; shifts the reading frame from phenylalanine 385.
Molecular consequence: frameshift variant.
Genome position (GRCh38, 1-based): chr18:62,138,264, G duplicated on the plus strand (C on the coding strand, the reverse complement: PIGN is on the minus strand); the first of 2 consecutive G bases (chr18:62,138,264-62,138,265); duplicating either gives the same sequence. VCF-style (leftmost placement, unchanged base first): chr18-62138263-T-TG. GRCh37 (hg19) VCF-style: chr18-59805496-T-TG.
Other names: c.1151dup, p.Phe385fs (NM_012327.6); short protein forms F385fs.
Identifiers: ClinVar variation 2897278 (VCV002897278.3), dbSNP rs2036007545, ClinGen allele CA2308192024.

ClinVar aggregate classification (germline): Pathogenic (1 of 4 stars; one submission).

Conditions:
Multiple congenital anomalies-hypotonia-seizures syndrome 1 (MCAHS1). Also called: GLYCOSYLPHOSPHATIDYLINOSITOL BIOSYNTHESIS DEFECT 3; PIGN-CDG; Congenital disorder of glycosylation due to PIGN deficiency. Identifiers: Orphanet 280633, MedGen C3279775, MONDO:0013563, OMIM 614080.

Submission:

Labcorp Genetics (formerly Invitae), Labcorp
Classification: Pathogenic for Multiple congenital anomalies-hypotonia-seizures syndrome 1. Last evaluated: 2023-12-10. Review status: criteria provided, single submitter. Criteria: Invitae Variant Classification Sherloc (09022015). Collection method: clinical testing. Allele origin: germline.
Comment: This sequence change creates a premature translational stop signal (p.Phe385Ilefs*7) in the PIGN gene. It is expected to result in an absent or disrupted protein product. Loss-of-function variants in PIGN are known to be pathogenic (PMID: 24253414, 27038415). This variant is not present in population databases (gnomAD no frequency). This variant has not been reported in the literature in individuals affected with PIGN-related conditions. For these reasons, this variant has been classified as Pathogenic.

Literature cited by the submitters: PubMed 24253414; PubMed 27038415.